The following is an entry in ClinVar:

NM_001287491.2(TET3):c.4413G>A (p.Lys1471=)

Gene: TET3 (tet methylcytosine dioxygenase 3; plus strand). Cytogenetic location: 2p13.1.
Variant type: single nucleotide variant.
Coding change: c.4413G>A on transcript NM_001287491.2 (MANE Select); coding-DNA position 4413, G replaced by A.
Protein change: p.Lys1471=; no amino-acid change (lysine 1471 retained).
Molecular consequence: synonymous variant.
Genome position (GRCh38, 1-based): chr2:74,101,201, G>A. VCF-style: chr2-74101201-G-A. GRCh37 (hg19) VCF-style: chr2-74328328-G-A.
Other names: c.4134G>A, p.Lys1378= (NM_001366022.1).
Identifiers: ClinVar variation 5039481 (VCV005039481.1).
Genomic context (GRCh38, chr2:74,101,201, plus strand): 5'-TGTGGGTGGCAGCTGGGGTGTGTTCTCGTCTGGGGAGAGTCCTGCCATCGTCCCTGACAA[G>A]CTCAGTTCCTTTGGGGCCAGCTGCCTGGCCCCTTCCCACTTCACAGATGGCCAGTGGGGG-3'
Protein context (NP_001274420.1, residues 1461-1481): SGESPAIVPD[Lys1471=]LSSFGASCLA

ClinVar aggregate classification (germline): Likely benign (1 of 4 stars; one submission).

gnomAD v4.1: 215 of 1,613,422 alleles (0.013%); highest among the groups gnomAD compares: Non-Finnish European, 0.016%; no homozygotes.

Submission:

CeGaT Center for Human Genetics Tuebingen
Classification: Likely benign. Last evaluated: 2026-08-01. Review status: criteria provided, single submitter. Criteria: CeGaT Center For Human Genetics Tuebingen Variant Classification Criteria Version 2. Collection method: clinical testing. Allele origin: germline. Affected: yes. Observed: 1 variant allele.
Comment: TET3: BP4, BP7